The following is an entry in ClinVar:

ClinVar aggregate classification (germline): Likely pathogenic (1 of 4 stars; one submission).

Submission:

GeneDx
Classification: Likely pathogenic. Last evaluated: 2024-12-26. Review status: criteria provided, single submitter. Criteria: GeneDx Variant Classification Process June 2021. Collection method: clinical testing. Allele origin: germline. Affected: yes.
Comment: Not observed at significant frequency in large population cohorts (gnomAD); In silico analysis supports that this missense variant has a deleterious effect on protein structure/function; This variant is associated with the following publications: (PMID: 38438524, 36182950)

NM_001170629.2(CHD8):c.3665A>T (p.Asp1222Val)

Gene: CHD8 (chromodomain helicase DNA binding protein 8; minus strand). Cytogenetic location: 14q11.2.
Variant type: single nucleotide variant.
Coding change: c.3665A>T on transcript NM_001170629.2 (MANE Select); coding-DNA position 3665, A replaced by T.
Protein change: p.Asp1222Val; replaces aspartic acid 1222 with valine.
Molecular consequence: missense variant.
Genome position (GRCh38, 1-based): chr14:21,403,066, T>A on the plus strand (A>T on the coding strand, the complement: CHD8 is on the minus strand). VCF-style: chr14-21403066-T-A. GRCh37 (hg19) VCF-style: chr14-21871225-T-A.
Other names: c.2828A>T, p.Asp943Val (NM_020920.4); short protein forms D1222V, D943V.
Identifiers: ClinVar variation 3907754 (VCV003907754.1).